The following is an entry in ClinVar:

NM_000512.5(GALNS):c.488C>A (p.Pro163His)

Gene: GALNS (galactosamine (N-acetyl)-6-sulfatase; minus strand). Cytogenetic location: 16q24.3.
Variant type: single nucleotide variant.
Coding change: c.488C>A on transcript NM_000512.5 (MANE Select); coding-DNA position 488, C replaced by A.
Protein change: p.Pro163His; replaces proline 163 with histidine.
Molecular consequence: missense variant. On other transcripts: 5 prime UTR variant (1).
Genome position (GRCh38, 1-based): chr16:88,837,700, G>T on the plus strand (C>A on the coding strand, the complement: GALNS is on the minus strand). VCF-style: chr16-88837700-G-T. GRCh37 (hg19) VCF-style: chr16-88904108-G-T.
Other names: c.-68C>A (NM_001323543.2); c.506C>A, p.Pro169His (NM_001323544.2); short protein forms P163H, P169H.
Identifiers: ClinVar variation 1048194 (VCV001048194.3), dbSNP rs2143002411, ClinGen allele CA397083070.

ClinVar aggregate classification (germline): Uncertain significance (1 of 4 stars; one submission).

Conditions:
Mucopolysaccharidosis, MPS-IV-A (MPS4A). Also called: Mucopolysaccharidosis type IV A; Mucopolysaccharidosis Type IVA; Morquio syndrome A, mild; MORQUIO SYNDROME A; MPS IVA; mucopolysaccharidosis type 4A. Identifiers: Orphanet 309297, Orphanet 582, MedGen C0086651, MONDO:0009659, OMIM 253000.

Allele frequency attached by ClinVar (database versions not stated): gnomAD exomes 0.00001.
gnomAD v4.1: 9 of 1,614,082 alleles (0.00056%); highest among the groups gnomAD compares: Non-Finnish European, 0.00076%; no homozygotes.

Submission:

Laboratory of Diagnosis and Therapy of Lysosomal Disorders, University of Padova
Classification: Uncertain significance for Mucopolysaccharidosis, MPS-IV-A. Last evaluated: 2021-02-01. Review status: criteria provided, single submitter. Criteria: ACMG Guidelines, 2015. Collection method: curation. Allele origin: germline. Affected: yes.
Comment: Absent from gnomAD v2.1.1 (PM2_moderate); multiple lines of computational evidence support a deleterious effect on the gene (PP3_supporting)

Literature cited by the submitters: PubMed 20574428; PubMed 24120057; PubMed 34387910.